The following is an entry in ClinVar:

ClinVar aggregate classification (germline): Uncertain significance (1 of 4 stars; one submission).

gnomAD v4.1: 44 of 1,459,076 alleles (0.003%); highest among the groups gnomAD compares: Admixed American, 0.032%; no homozygotes.

Submission:

GeneDx
Classification: Uncertain significance. Last evaluated: 2025-09-17. Review status: criteria provided, single submitter. Criteria: GeneDx Variant Classification Process June 2021. Collection method: clinical testing. Allele origin: germline. Affected: yes.
Comment: In silico analysis suggests that this variant does not alter splicing; Has not been previously published as pathogenic or benign to our knowledge; Reported using an alternate transcript of the gene

NM_001060.6(TBXA2R):c.*684G>A

Gene: TBXA2R (thromboxane A2 receptor; minus strand). Cytogenetic location: 19p13.3.
Variant type: single nucleotide variant.
Coding change: c.*684G>A on transcript NM_001060.6 (MANE Select); 684 bases downstream of the stop codon, G replaced by A.
Molecular consequence: 3 prime UTR variant. On other transcripts: synonymous variant (1).
Genome position (GRCh38, 1-based): chr19:3,595,004, C>T on the plus strand (G>A on the coding strand, the complement: TBXA2R is on the minus strand). VCF-style: chr19-3595004-C-T. GRCh37 (hg19) VCF-style: chr19-3595002-C-T.
Other names: c.1056G>A, p.Pro352= (NM_201636.3).
Identifiers: ClinVar variation 4813888 (VCV004813888.1).